The following is an entry in ClinVar:

NM_014236.4(GNPAT):c.647_659dup (p.Trp220Ter)

Gene: GNPAT (glyceronephosphate O-acyltransferase; plus strand). Cytogenetic location: 1q42.2.
Variant type: Duplication.
Coding change: c.647_659dup on transcript NM_014236.4 (MANE Select); coding-DNA positions 647 to 659, 13 bases duplicated (ATAAACTCTACTG).
Protein change: p.Trp220Ter; replaces tryptophan 220 with a stop codon.
Molecular consequence: nonsense.
Genome position (GRCh38, 1-based): chr1:231,265,371-231,265,383, ATAAACTCTACTG duplicated. VCF-style (leftmost placement, unchanged base first): chr1-231265370-A-AATAAACTCTACTG. GRCh37 (hg19) VCF-style: chr1-231401116-A-AATAAACTCTACTG.
Other names: c.464_476dup, p.Trp159Ter (NM_001316350.2); short protein forms W159*, W220*.
Identifiers: ClinVar variation 4700104 (VCV004700104.1).
Genomic context (GRCh38, chr1:231,265,370, plus strand): 5'-ATGGTTGGTGAGCTGCTACGAATGTCGGGTGCCTTTTTCATGCGGCGTACCTTTGGTGGC[A>AATAAACTCTACTG]ATAAACTCTACTGGGCTGTATTCTCTGAATATGTAAAAACTATGTTACGGGTAAATGCAA-3'

ClinVar aggregate classification (germline): Pathogenic (1 of 4 stars; one submission).

Submission:

Labcorp Genetics (formerly Invitae), Labcorp
Classification: Pathogenic. Last evaluated: 2025-05-14. Review status: criteria provided, single submitter. Criteria: Invitae Variant Classification Sherloc (09022015). Collection method: clinical testing. Allele origin: germline.
Comment: This sequence change creates a premature translational stop signal (p.Trp220*) in the GNPAT gene. It is expected to result in an absent or disrupted protein product. Loss-of-function variants in GNPAT are known to be pathogenic (PMID: 9536089, 21990100). This variant is not present in population databases (gnomAD no frequency). This variant has not been reported in the literature in individuals affected with GNPAT-related conditions. Algorithms developed to predict the effect of sequence changes on RNA splicing suggest that this variant may disrupt the consensus splice site. For these reasons, this variant has been classified as Pathogenic.

Literature cited by the submitters: PubMed 9536089; PubMed 21990100.